The following is an entry in ClinVar:

NM_022437.3(ABCG8):c.1618T>A (p.Phe540Ile)

Gene: ABCG8 (ATP binding cassette subfamily G member 8; plus strand). Cytogenetic location: 2p21.
Variant type: single nucleotide variant.
Coding change: c.1618T>A on transcript NM_022437.3 (MANE Select); coding-DNA position 1618, T replaced by A.
Protein change: p.Phe540Ile; replaces phenylalanine 540 with isoleucine.
Molecular consequence: missense variant.
Genome position (GRCh38, 1-based): chr2:43,875,275, T>A. VCF-style: chr2-43875275-T-A. GRCh37 (hg19) VCF-style: chr2-44102414-T-A.
Other names: c.1615T>A, p.Phe539Ile (NM_001357321.2); short protein forms F539I, F540I.
Identifiers: ClinVar variation 4982604 (VCV004982604.1).
Genomic context (GRCh38, chr2:43,875,275, plus strand): 5'-AACCTGAGGCCAGGCCTCCAGCCCTTCCTGCTGCACTTCCTGCTGGTGTGGCTGGTGGTC[T>A]TCTGTTGCAGGATTATGGCCCTGGCCGCCGCGGCCCTGCTCCCCACCTTCCACATGGCCT-3'
Protein context (NP_071882.1, residues 530-550): LHFLLVWLVV[Phe540Ile]CCRIMALAAA

ClinVar aggregate classification (germline): Uncertain significance (1 of 4 stars; one submission).

Conditions:
ABCG8-related disorder. Also called: ABCG8-related condition.

gnomAD v4.1: 8 of 1,614,092 alleles (0.0005%); highest among the groups gnomAD compares: East Asian, 0.018%; no homozygotes.

Submission:

PreventionGenetics, part of Exact Sciences
Classification: Uncertain significance for ABCG8-related condition. Last evaluated: 2026-02-04. Review status: criteria provided, single submitter. Criteria: ACMG Guidelines, 2015. Collection method: clinical testing. Allele origin: germline.
Comment: The ABCG8 c.1618T>A variant is predicted to result in the amino acid substitution p.Phe540Ile. This variant has been reported in an individual with hypercholesterolemia (Pek et al. 2018. PubMed ID: 29353225). This variant is reported in 0.040% of alleles in individuals of East Asian descent in gnomAD. At this time, the clinical significance of this variant is uncertain due to the absence of conclusive functional and genetic evidence.